The following is an entry in ClinVar:

ClinVar aggregate classification (germline): Likely benign (1 of 4 stars; one submission).

gnomAD v4.1: 227 of 1,609,098 alleles (0.014%); highest among the groups gnomAD compares: South Asian, 0.099%; 1 homozygote.

Submission:

CeGaT Center for Human Genetics Tuebingen
Classification: Likely benign. Last evaluated: 2026-05-01. Review status: criteria provided, single submitter. Criteria: CeGaT Center For Human Genetics Tuebingen Variant Classification Criteria Version 2. Collection method: clinical testing. Allele origin: germline. Affected: yes. Observed: 1 variant allele.
Comment: FNTB: BP4, BP7

NM_002028.4(FNTB):c.948C>T (p.His316=)

Genes: CHURC1-FNTB (CHURC1-FNTB readthrough; plus strand), FNTB (farnesyltransferase, CAAX box, subunit beta; plus strand), MAX (MYC associated transcriptional regulator X; minus strand). Cytogenetic location: 14q23.3.
Variant type: single nucleotide variant.
Coding change: c.948C>T on transcript NM_002028.4 (MANE Select); coding-DNA position 948, C replaced by T.
Protein change: p.His316=; no amino-acid change (histidine 316 retained).
Molecular consequence: synonymous variant. On other transcripts: intron variant (2).
Genome position (GRCh38, 1-based): chr14:65,044,436, C>T. VCF-style: chr14-65044436-C-T. GRCh37 (hg19) VCF-style: chr14-65511154-C-T.
Other names: c.810C>T, p.His270= (NM_001202558.2); c.1131C>T, p.His377= (NM_001202559.1); c.145-38152G>A (NM_001271069.2); c.172-38152G>A (NM_197957.4).
Identifiers: ClinVar variation 4873377 (VCV004873377.2).